The following is an entry in ClinVar:

ClinVar aggregate classification (germline): Uncertain significance (1 of 4 stars; one submission).

Allele frequency attached by ClinVar (database versions not stated): gnomAD exomes below 0.00001.
gnomAD v4.1: 6 of 1,577,766 alleles (0.00038%); highest among the groups gnomAD compares: Non-Finnish European, 0.00052%; no homozygotes.

Submission:

Labcorp Genetics (formerly Invitae), Labcorp
Classification: Uncertain significance. Last evaluated: 2022-09-07. Review status: criteria provided, single submitter. Criteria: Invitae Variant Classification Sherloc (09022015). Collection method: clinical testing. Allele origin: germline.
Comment: In summary, the available evidence is currently insufficient to determine the role of this variant in disease. Therefore, it has been classified as a Variant of Uncertain Significance. Algorithms developed to predict the effect of missense changes on protein structure and function output the following: SIFT: "Tolerated"; PolyPhen-2: "Benign"; Align-GVGD: "Class C0". The leucine amino acid residue is found in multiple mammalian species, which suggests that this missense change does not adversely affect protein function. This variant has not been reported in the literature in individuals affected with ALPK3-related conditions. This variant is not present in population databases (gnomAD no frequency). This sequence change replaces valine, which is neutral and non-polar, with leucine, which is neutral and non-polar, at codon 661 of the ALPK3 protein (p.Val661Leu).

NM_020778.5(ALPK3):c.1375G>T (p.Val459Leu)

Gene: ALPK3 (alpha kinase 3; plus strand). Cytogenetic location: 15q25.3.
Variant type: single nucleotide variant.
Coding change: c.1375G>T on transcript NM_020778.5 (MANE Select); coding-DNA position 1375, G replaced by T.
Protein change: p.Val459Leu; replaces valine 459 with leucine.
Molecular consequence: missense variant.
Genome position (GRCh38, 1-based): chr15:84,840,654, G>T. VCF-style: chr15-84840654-G-T. GRCh37 (hg19) VCF-style: chr15-85383885-G-T.
Other names: short protein forms V459L.
Identifiers: ClinVar variation 2133419 (VCV002133419.4), dbSNP rs2505706524, ClinGen allele CA393375499.